The following is an entry in ClinVar:

NM_001082486.2(ACD):c.281G>T (p.Arg94Leu)

Gene: ACD (ACD shelterin complex subunit and telomerase recruitment factor; minus strand). Cytogenetic location: 16q22.1.
Variant type: single nucleotide variant.
Coding change: c.281G>T on transcript NM_001082486.2 (MANE Select); coding-DNA position 281, G replaced by T.
Protein change: p.Arg94Leu; replaces arginine 94 with leucine.
Molecular consequence: missense variant.
Genome position (GRCh38, 1-based): chr16:67,659,757, C>A on the plus strand (G>T on the coding strand, the complement: ACD is on the minus strand). VCF-style: chr16-67659757-C-A. GRCh37 (hg19) VCF-style: chr16-67693660-C-A.
Other names: c.281G>T, p.Arg94Leu (NM_001410884.1); c.272G>T, p.Arg91Leu (NM_022914.3); short protein forms R91L, R94L.
Identifiers: ClinVar variation 3261527 (VCV003261527.1).

ClinVar aggregate classification (germline): Uncertain significance (1 of 4 stars; one submission).

Conditions:
Inborn genetic diseases. Identifiers: MedGen C0950123, MeSH D030342.

Submission:

Ambry Genetics
Classification: Uncertain significance for Inborn genetic diseases. Last evaluated: 2024-04-27. Review status: criteria provided, single submitter. Criteria: Ambry Variant Classification Scheme 2023. Collection method: clinical testing. Allele origin: germline.
Comment: The p.R180L variant (also known as c.539G>T), located in coding exon 3 of the ACD gene, results from a G to T substitution at nucleotide position 539. The arginine at codon 180 is replaced by leucine, an amino acid with dissimilar properties. This amino acid position is conserved. In addition, this alteration is predicted to be tolerated by in silico analysis. Based on the available evidence, the clinical significance of this variant remains unclear.